The following is an entry in ClinVar:

ClinVar aggregate classification (germline): Uncertain significance (1 of 4 stars; one submission).

Conditions:
LEPR-related disorder. Also called: LEPR-related disorders; LEPR-related condition.

Submission:

PreventionGenetics, part of Exact Sciences
Classification: Uncertain significance for LEPR-related condition. Last evaluated: 2025-12-29. Review status: criteria provided, single submitter. Criteria: ACMG Guidelines, 2015. Collection method: clinical testing. Allele origin: germline.
Comment: The LEPR c.2695G>A variant is predicted to result in the amino acid substitution p.Val899Ile. This variant is referred to as c.2674-5968G>A (intronic) with an alternate transcript NM_002303. To our knowledge, this variant has not been reported in the literature. This variant is reported in 0.032% of alleles in individuals of East Asian descent in gnomAD. At this time, the clinical significance of this variant is uncertain due to the absence of conclusive functional and genetic evidence.

NM_002303.6(LEPR):c.2674-5968G>A

Gene: LEPR (leptin receptor; plus strand). Cytogenetic location: 1p31.3.
Variant type: single nucleotide variant.
Coding change: c.2674-5968G>A on transcript NM_002303.6 (MANE Select); 5968 bases into the intron before coding-DNA position 2674, G replaced by A.
Molecular consequence: intron variant. On other transcripts: missense variant (2).
Genome position (GRCh38, 1-based): chr1:65,630,223, G>A. VCF-style: chr1-65630223-G-A. GRCh37 (hg19) VCF-style: chr1-66095906-G-A.
Other names: c.2695G>A, p.Val899Ile (NM_001003680.3, NM_001198687.2); c.2674-2929G>A (NM_001003679.3, NM_001198689.2); short protein forms V899I.
Identifiers: ClinVar variation 4981257 (VCV004981257.1).
Genomic context (GRCh38, chr1:65,630,223, plus strand): 5'-TACTCCTCACTGTTTACTTATAATTTCCTTTTTAAACAGATGCTTGAAGGCAGCATGTTC[G>A]TTAAGAGTCATCACCACTCCCTAATCTCAAGTACCCAGGGACACAAACACTGCGGAAGGC-3'